The following is an entry in ClinVar:

ClinVar aggregate classification (germline): Uncertain significance (1 of 4 stars; one submission).

Allele frequency attached by ClinVar (database versions not stated): gnomAD exomes below 0.00001; TOPMed below 0.00001; gnomAD 0.00001.
gnomAD v4.1: 4 of 1,611,660 alleles (0.00025%); highest among the groups gnomAD compares: Non-Finnish European, 0.00034%; 1 homozygote.

Submission:

Labcorp Genetics (formerly Invitae), Labcorp
Classification: Uncertain significance. Last evaluated: 2025-04-17. Review status: criteria provided, single submitter. Criteria: Invitae Variant Classification Sherloc (09022015). Collection method: clinical testing. Allele origin: germline.
Comment: This sequence change replaces arginine, which is basic and polar, with histidine, which is basic and polar, at codon 243 of the ITM2B protein (p.Arg243His). This variant is present in population databases (no rsID available, gnomAD 0.007%). This variant has not been reported in the literature in individuals affected with ITM2B-related conditions. ClinVar contains an entry for this variant (Variation ID: 2147670). Invitae Evidence Modeling of protein sequence and biophysical properties (such as structural, functional, and spatial information, amino acid conservation, physicochemical variation, residue mobility, and thermodynamic stability) indicates that this missense variant is expected to disrupt ITM2B protein function with a positive predictive value of 80%. In summary, the available evidence is currently insufficient to determine the role of this variant in disease. Therefore, it has been classified as a Variant of Uncertain Significance.

NM_021999.5(ITM2B):c.728G>A (p.Arg243His)

Gene: ITM2B (integral membrane protein 2B; plus strand). Cytogenetic location: 13q14.2.
Variant type: single nucleotide variant.
Coding change: c.728G>A on transcript NM_021999.5 (MANE Select); coding-DNA position 728, G replaced by A.
Protein change: p.Arg243His; replaces arginine 243 with histidine.
Molecular consequence: missense variant.
Genome position (GRCh38, 1-based): chr13:48,261,151, G>A. VCF-style: chr13-48261151-G-A. GRCh37 (hg19) VCF-style: chr13-48835287-G-A.
Other names: short protein forms R243H.
Identifiers: ClinVar variation 2147670 (VCV002147670.4), dbSNP rs1333324403, ClinGen allele CA388252135.